The following is an entry in ClinVar:

ClinVar aggregate classification (germline): Uncertain significance (1 of 4 stars; one submission).

Conditions:
Cardiovascular phenotype. Identifiers: MedGen CN230736.

Submission:

Ambry Genetics
Classification: Uncertain significance for Cardiovascular phenotype. Last evaluated: 2024-05-02. Review status: criteria provided, single submitter. Criteria: Ambry Variant Classification Scheme 2023. Collection method: clinical testing. Allele origin: germline.
Comment: The p.M362V variant (also known as c.1084A>G), located in coding exon 4 of the SHOC2 gene, results from an A to G substitution at nucleotide position 1084. The methionine at codon 362 is replaced by valine, an amino acid with highly similar properties. This amino acid position is conserved. In addition, this alteration is predicted to be deleterious by in silico analysis. Based on the available evidence, the clinical significance of this variant remains unclear.

NM_007373.4(SHOC2):c.1084A>G (p.Met362Val)

Gene: SHOC2 (SHOC2 leucine rich repeat scaffold protein; plus strand). Cytogenetic location: 10q25.2.
Variant type: single nucleotide variant.
Coding change: c.1084A>G on transcript NM_007373.4 (MANE Select); coding-DNA position 1084, A replaced by G.
Protein change: p.Met362Val; replaces methionine 362 with valine.
Molecular consequence: missense variant. On other transcripts: non-coding transcript variant (1).
Genome position (GRCh38, 1-based): chr10:111,004,717, A>G. VCF-style: chr10-111004717-A-G. GRCh37 (hg19) VCF-style: chr10-112764475-A-G.
Other names: c.946A>G, p.Met316Val (NM_001269039.3); c.1084A>G, p.Met362Val (NM_001324336.2, NM_001324337.2); short protein forms M362V, M316V.
Identifiers: ClinVar variation 3318333 (VCV003318333.1).
Genomic context (GRCh38, chr10:111,004,717, plus strand): 5'-TGCTTCCAGTTGTATCCAGTGGGTGGTCCATCTCAGTTTTCTACCATCTATTCCCTCAAC[A>G]TGGAACACAATCGAATCAACAAAATTCCATTTGGAATTTTCTCCAGAGCAAAAGTATTAA-3'
Protein context (NP_031399.2, residues 352-372): SQFSTIYSLN[Met362Val]EHNRINKIPF